The following is an entry in ClinVar:

ClinVar aggregate classification (germline): Benign (1 of 4 stars; one submission).

Allele frequency attached by ClinVar (database versions not stated): TOPMed 0.00034; gnomAD 0.00035; gnomAD exomes 0.00051.
gnomAD v4.1: 182 of 398,604 alleles (0.046%); highest among the groups gnomAD compares: South Asian, 0.17%; 1 homozygote.

Submission:

CeGaT Center for Human Genetics Tuebingen
Classification: Benign. Last evaluated: 2026-08-01. Review status: criteria provided, single submitter. Criteria: CeGaT Center For Human Genetics Tuebingen Variant Classification Criteria Version 2. Collection method: clinical testing. Allele origin: germline. Affected: yes. Observed: 10 variant alleles.
Comment: KCNQ1OT1: BS1, BS2

NM_000218.3(KCNQ1):c.1514+7710C>T

Genes: KCNQ1 (potassium voltage-gated channel subfamily Q member 1; plus strand), KCNQ1OT1 (KCNQ1 opposite strand/antisense transcript 1; minus strand). Cytogenetic location: 11p15.5.
Variant type: single nucleotide variant.
Coding change: c.1514+7710C>T on transcript NM_000218.3 (MANE Select); 7710 bases into the intron after coding-DNA position 1514, C replaced by T.
Molecular consequence: intron variant.
Genome position (GRCh38, 1-based): chr11:2,669,791, C>T. VCF-style: chr11-2669791-C-T. GRCh37 (hg19) VCF-style: chr11-2691021-C-T.
Other names: c.1244+7710C>T (NM_001406837.1); c.1418+7710C>T (NM_001406836.1); c.974+7710C>T (NM_001406838.1); c.1133+7710C>T (NM_181798.2).
Identifiers: ClinVar variation 1879187 (VCV001879187.29), dbSNP rs774256096, ClinGen allele CA216177224.